The following is an entry in ClinVar:

ClinVar aggregate classification (germline): Conflicting classifications of pathogenicity. Review status: criteria provided, conflicting classifications (1 of 4 stars). 6 submissions from 6 submitters: Uncertain significance (4); Likely benign (2). Last evaluated 2025-03-24.

Conditions:
PGM1-congenital disorder of glycosylation. Also called: PGM1 DEFICIENCY; GLYCOGEN STORAGE DISEASE XIV; GSD XIV; PHOSPHOGLUCOMUTASE 1 DEFICIENCY; CDG It; Congenital disorder of glycosylation type 1t. Identifiers: Orphanet 319646, MedGen C2752015, MONDO:0013968, OMIM 614921.

Allele frequency attached by ClinVar (database versions not stated): gnomAD exomes 0.00059; ExAC 0.00060; gnomAD 0.00066 and 0.00069; TOPMed 0.00073; ESP Exome Variant Server 0.00105.
gnomAD v4.1: 2,050 of 1,612,480 alleles (0.13%); highest among the groups gnomAD compares: Non-Finnish European, 0.16%; no homozygotes.

Submissions (6):

GeneDx
Classification: Uncertain significance. Last evaluated: 2025-03-24. Review status: criteria provided, single submitter. Criteria: GeneDx Variant Classification Process June 2021. Collection method: clinical testing. Allele origin: germline. Affected: yes.
Comment: Observed along with a variant in the MPI gene in an individual with fetal alcohol syndrome (FAS), attention deficit hyperactivity disorder, learning disorder and adenoidhypertrophy in a study assessing possible genetic predisposition to FAS (PMID: 28820871); In silico analysis supports that this missense variant has a deleterious effect on protein structure/function; Reported using an alternate transcript of the gene; This variant is associated with the following publications: (PMID: 28820871)

Women's Health and Genetics/Laboratory Corporation of America, LabCorp
Classification: Likely benign. Last evaluated: 2025-01-09. Review status: criteria provided, single submitter. Criteria: LabCorp Variant Classification Summary - May 2015. Collection method: clinical testing. Allele origin: germline.
Comment: Variant summary: PGM1 c.247-5696A>T is located at a position not widely known to affect splicing. Consensus agreement among computation tools predict no significant impact on normal splicing. However, these predictions have yet to be confirmed by functional studies. The variant allele was found at a frequency of 0.00059 in 240530 control chromosomes. This frequency is not significantly higher than estimated for a pathogenic variant in PGM1 causing PGM1-Congenital Disorder Of Glycosylation, allowing no conclusion about variant significance. c.247-5696A>T (which is also reported as c.269A>T, p.Glu90Val in pgm1tv2 in NM_001172818) has been reported in the literature in at-least one individual affected with Fetal alcohol syndrome with a non-informative genotype (example: de la Morena-Barrio_2017). This report does not provide unequivocal conclusions about association of the variant with PGM1-Congenital Disorder Of Glycosylation. To our knowledge, no experimental evidence demonstrating an impact on protein function has been reported. The following publication has been ascertained in the context of this evaluation (PMID: 28820871). ClinVar contains an entry for this variant (Variation ID: 1083445). Based on the evidence outlined above, the variant was classified as likely benign.

Blueprint Genetics
Classification: Uncertain significance. Last evaluated: 2024-11-13. Review status: criteria provided, single submitter. Criteria: ACMG Guidelines, 2015. Collection method: clinical testing. Allele origin: germline.

CeGaT Center for Human Genetics Tuebingen
Classification: Uncertain significance. Last evaluated: 2024-10-01. Review status: criteria provided, single submitter. Criteria: CeGaT Center For Human Genetics Tuebingen Variant Classification Criteria Version 2. Collection method: clinical testing. Allele origin: germline. Affected: yes. Observed: 1 variant allele.

Genetic Services Laboratory, University of Chicago
Classification: Uncertain significance. Last evaluated: 2020-01-31. Review status: criteria provided, single submitter. Criteria: ACMG Guidelines, 2015. Collection method: clinical testing. Allele origin: germline. Affected: no.
Comment: DNA sequence analysis of the PGM1 gene demonstrated a sequence change, c.269A>T, in exon 1 that results in an amino acid change, p.Glu90Val. This sequence change does not appear to have been previously described in patients with PGM1-related disorders and has been described in the gnomAD database with a population frequency of 0.11% in non-Finnish European subpopulation (dbSNP rs200881174). The p.Glu90Val change affects a poorly conserved amino acid residue located in a domain of the PGM1 protein that is known to be functional. In-silico pathogenicity prediction tools (SIFT, PolyPhen2, Align GVGD, REVEL) provide contradictory results for the p.Glu90Val substitution. Due to these contrasting evidences and the lack of functional studies, the clinical significance of the p.Glu90Val change remains unknown at this time.

Labcorp Genetics (formerly Invitae), Labcorp
Classification: Likely benign for PGM1-congenital disorder of glycosylation. Last evaluated: 2019-03-30. Review status: criteria provided, single submitter. Criteria: Invitae Variant Classification Sherloc (09022015). Collection method: clinical testing. Allele origin: germline.

Literature cited by the submitters: PubMed 28820871 (cited by Women's Health and Genetics/Laboratory Corporation of America, LabCorp).

NM_002633.3(PGM1):c.247-5696A>T

Gene: PGM1 (phosphoglucomutase 1; plus strand). Cytogenetic location: 1p31.3.
Variant type: single nucleotide variant.
Coding change: c.247-5696A>T on transcript NM_002633.3 (MANE Select); 5696 bases into the intron before coding-DNA position 247, A replaced by T.
Molecular consequence: intron variant. On other transcripts: missense variant (1).
Genome position (GRCh38, 1-based): chr1:63,623,729, A>T. VCF-style: chr1-63623729-A-T. GRCh37 (hg19) VCF-style: chr1-64089400-A-T.
Other names: c.269A>T, p.Glu90Val (NM_001172818.1); c.-345-5696A>T (NM_001172819.2); short protein forms E90V.
Identifiers: ClinVar variation 1083445 (VCV001083445.34), dbSNP rs200881174, ClinGen allele CA889470.